The following is an entry in ClinVar:

ClinVar aggregate classification (germline): Conflicting classifications of pathogenicity. Review status: criteria provided, conflicting classifications (1 of 4 stars). 5 submissions from 5 submitters: Uncertain significance (2); Likely benign (3). Last evaluated 2025-12-19.

Conditions:
Inborn genetic diseases. Identifiers: MedGen C0950123, MeSH D030342.
Autosomal dominant cerebellar ataxia. Also called: Spinocerebellar Ataxia, Dominant. Identifiers: Orphanet 99, MedGen C4087347, MONDO:0020380.

Allele frequency attached by ClinVar (database versions not stated): gnomAD 0.00007 and 0.00009; ExAC 0.00008; ESP Exome Variant Server 0.00008; TOPMed 0.00008; gnomAD exomes 0.00010 and 0.00013.
gnomAD v4.1: 199 of 1,613,998 alleles (0.012%); highest among the groups gnomAD compares: Middle Eastern, 0.083%; 1 homozygote.

Submissions (5):

Labcorp Genetics (formerly Invitae), Labcorp
Classification: Uncertain significance. Last evaluated: 2025-12-19. Review status: criteria provided, single submitter. Criteria: Invitae Variant Classification Sherloc (09022015). Collection method: clinical testing. Allele origin: germline.
Comment: This sequence change replaces glycine, which is neutral and non-polar, with serine, which is neutral and polar, at codon 1716 of the ITPR1 protein (p.Gly1716Ser). This variant is present in population databases (rs369108656, gnomAD 0.03%). This variant has not been reported in the literature in individuals affected with ITPR1-related conditions. ClinVar contains an entry for this variant (Variation ID: 900173). Invitae Evidence Modeling of protein sequence and biophysical properties (such as structural, functional, and spatial information, amino acid conservation, physicochemical variation, residue mobility, and thermodynamic stability) indicates that this missense variant is not expected to disrupt ITPR1 protein function with a negative predictive value of 95%. In summary, the available evidence is currently insufficient to determine the role of this variant in disease. Therefore, it has been classified as a Variant of Uncertain Significance.

CeGaT Center for Human Genetics Tuebingen
Classification: Likely benign. Last evaluated: 2025-05-01. Review status: criteria provided, single submitter. Criteria: CeGaT Center For Human Genetics Tuebingen Variant Classification Criteria Version 2. Collection method: clinical testing. Allele origin: germline. Affected: yes. Observed: 1 variant allele.
Comment: ITPR1: BP4, BS2

Ambry Genetics
Classification: Likely benign for Inborn genetic diseases. Last evaluated: 2024-07-02. Review status: criteria provided, single submitter. Criteria: Ambry Variant Classification Scheme 2023. Collection method: clinical testing. Allele origin: germline.

GeneDx
Classification: Uncertain significance. Last evaluated: 2022-05-24. Review status: criteria provided, single submitter. Criteria: GeneDx Variant Classification Process June 2021. Collection method: clinical testing. Allele origin: germline. Affected: yes.
Comment: In silico analysis supports that this missense variant does not alter protein structure/function; Has not been previously published as pathogenic or benign to our knowledge

Illumina Laboratory Services, Illumina
Classification: Likely benign for Spinocerebellar Ataxia, Dominant. Last evaluated: 2018-01-12. Review status: criteria provided, single submitter. Criteria: ICSL Variant Classification Criteria 13 December 2019. Collection method: clinical testing. Allele origin: germline.
Comment: This variant was observed in the ICSL laboratory as part of a predisposition screen in an ostensibly healthy population. It had not been previously curated by ICSL or reported in the Human Gene Mutation Database (HGMD: prior to June 1st, 2018), and was therefore a candidate for classification through an automated scoring system. Utilizing variant allele frequency, disease prevalence and penetrance estimates, and inheritance mode, an automated score was calculated to assess if this variant is too frequent to cause the disease. Based on the score and internal cut-off values, a variant classified as likely benign is not then subjected to further curation. The score for this variant resulted in a classification of likely benign for this disease.

NM_001378452.1(ITPR1):c.5335G>A (p.Gly1779Ser)

Gene: ITPR1 (inositol 1,4,5-trisphosphate receptor type 1; plus strand). Cytogenetic location: 3p26.1.
Variant type: single nucleotide variant.
Coding change: c.5335G>A on transcript NM_001378452.1 (MANE Select); coding-DNA position 5335, G replaced by A.
Protein change: p.Gly1779Ser; replaces glycine 1779 with serine.
Molecular consequence: missense variant.
Genome position (GRCh38, 1-based): chr3:4,733,202, G>A. VCF-style: chr3-4733202-G-A. GRCh37 (hg19) VCF-style: chr3-4774886-G-A.
Other names: c.5191G>A, p.Gly1731Ser (NM_001099952.4); c.5290G>A, p.Gly1764Ser (NM_001168272.2); c.5146G>A, p.Gly1716Ser (NM_002222.7); short protein forms G1764S, G1779S, G1716S, G1731S.
Identifiers: ClinVar variation 900173 (VCV000900173.23), dbSNP rs369108656, ClinGen allele CA2232287.